The following is an entry in ClinVar:

NM_016343.4(CENPF):c.4878A>G (p.Ala1626=)

Gene: CENPF (centromere protein F; plus strand). Cytogenetic location: 1q41.
Variant type: single nucleotide variant.
Coding change: c.4878A>G on transcript NM_016343.4 (MANE Select); coding-DNA position 4878, A replaced by G.
Protein change: p.Ala1626=; no amino-acid change (alanine 1626 retained).
Molecular consequence: synonymous variant.
Genome position (GRCh38, 1-based): chr1:214,643,216, A>G. VCF-style: chr1-214643216-A-G. GRCh37 (hg19) VCF-style: chr1-214816559-A-G.
Identifiers: ClinVar variation 714936 (VCV000714936.8), dbSNP rs201352796, ClinGen allele CA1390674.
Genomic context (GRCh38, chr1:214,643,216, plus strand): 5'-TGAACAGTGGCAACAGAAGCTGACAAGCGTGACTCTGGAGATGGAGTCCAAGTTGGCGGC[A>G]GAAAAGAAACAGACGGAACAACTGTCACTTGAGCTGGAAGTAGCACGACTCCAGCTACAA-3'
Protein context (NP_057427.3, residues 1616-1636): VTLEMESKLA[Ala1626=]EKKQTEQLSL

ClinVar aggregate classification (germline): Likely benign. Review status: criteria provided, multiple submitters, no conflicts (2 of 4 stars). 3 submissions from 3 submitters: Likely benign (2). 1 of the submissions does not count toward it. Last evaluated 2025-05-09.

Conditions:
CENPF-related disorder. Also called: CENPF-related condition.

Allele frequency attached by ClinVar (database versions not stated): ExAC 0.00029; gnomAD exomes 0.00036; gnomAD 0.00046; TOPMed 0.00046; ESP Exome Variant Server 0.00069.
gnomAD v4.1: 1,179 of 1,604,394 alleles (0.073%); highest among the groups gnomAD compares: Non-Finnish European, 0.094%; no homozygotes.

Submissions (3):

Labcorp Genetics (formerly Invitae), Labcorp
Classification: Likely benign. Last evaluated: 2025-05-09. Review status: criteria provided, single submitter. Criteria: Invitae Variant Classification Sherloc (09022015). Collection method: clinical testing. Allele origin: germline.

Blueprint Genetics
Classification: Likely benign. Last evaluated: 2024-09-05. Review status: criteria provided, single submitter. Criteria: ACMG Guidelines, 2015. Collection method: clinical testing. Allele origin: germline.

PreventionGenetics, part of Exact Sciences
Classification: Likely benign for CENPF-related condition. Last evaluated: 2019-09-06. Review status: no assertion criteria provided. Collection method: clinical testing. Allele origin: germline. Not counted in ClinVar's aggregate classification.
Comment: This variant is classified as likely benign based on ACMG/AMP sequence variant interpretation guidelines (Richards et al. 2015 PMID: 25741868, with internal and published modifications).